The following is an entry in ClinVar:

NM_002470.4(MYH3):c.4984C>T (p.Leu1662Phe)

Gene: MYH3 (myosin heavy chain 3; minus strand). Cytogenetic location: 17p13.1.
Variant type: single nucleotide variant.
Coding change: c.4984C>T on transcript NM_002470.4 (MANE Select); coding-DNA position 4984, C replaced by T.
Protein change: p.Leu1662Phe; replaces leucine 1662 with phenylalanine.
Molecular consequence: missense variant.
Genome position (GRCh38, 1-based): chr17:10,631,989, G>A on the plus strand (C>T on the coding strand, the complement: MYH3 is on the minus strand). VCF-style: chr17-10631989-G-A. GRCh37 (hg19) VCF-style: chr17-10535306-G-A.
Other names: short protein forms L1662F.
Identifiers: ClinVar variation 4738313 (VCV004738313.1).

ClinVar aggregate classification (germline): Uncertain significance (1 of 4 stars; one submission).

gnomAD v4.1: 2 of 1,613,756 alleles (0.00012%); highest among the groups gnomAD compares: Admixed American, 0.0033%; no homozygotes.

Submission:

Labcorp Genetics (formerly Invitae), Labcorp
Classification: Uncertain significance. Last evaluated: 2025-04-19. Review status: criteria provided, single submitter. Criteria: Invitae Variant Classification Sherloc (09022015). Collection method: clinical testing. Allele origin: germline.
Comment: This sequence change replaces leucine, which is neutral and non-polar, with phenylalanine, which is neutral and non-polar, at codon 1662 of the MYH3 protein (p.Leu1662Phe). This variant is present in population databases (no rsID available, gnomAD 0.006%). This variant has not been reported in the literature in individuals affected with MYH3-related conditions. Invitae Evidence Modeling of protein sequence and biophysical properties (such as structural, functional, and spatial information, amino acid conservation, physicochemical variation, residue mobility, and thermodynamic stability) indicates that this missense variant is not expected to disrupt MYH3 protein function with a negative predictive value of 95%. In summary, the available evidence is currently insufficient to determine the role of this variant in disease. Therefore, it has been classified as a Variant of Uncertain Significance.